The following is an entry in ClinVar:

NM_001044385.3(TMEM237):c.42+38G>A

Gene: TMEM237 (transmembrane protein 237; minus strand). Cytogenetic location: 2q33.1.
Variant type: single nucleotide variant.
Coding change: c.42+38G>A on transcript NM_001044385.3 (MANE Select); 38 bases into the intron after coding-DNA position 42, G replaced by A.
Molecular consequence: intron variant.
Genome position (GRCh38, 1-based): chr2:201,643,321, C>T on the plus strand (G>A on the coding strand, the complement: TMEM237 is on the minus strand). VCF-style: chr2-201643321-C-T. GRCh37 (hg19) VCF-style: chr2-202508044-C-T.
Identifiers: ClinVar variation 4856169 (VCV004856169.1).

ClinVar aggregate classification (germline): Uncertain significance (1 of 4 stars; one submission).

Conditions:
Joubert syndrome 14 (JBTS14). Identifiers: MedGen C3280766, MONDO:0013745, OMIM 614424.

gnomAD v4.1: 44 of 1,543,406 alleles (0.0029%); highest among the groups gnomAD compares: African/African-American, 0.019%; no homozygotes.

Submission:

3billion
Classification: Uncertain significance for Joubert syndrome 14. Last evaluated: 2026-01-30. Review status: criteria provided, single submitter. Criteria: ACMG Guidelines, 2015. Collection method: clinical testing. Allele origin: germline. Affected: yes.
Comment: The variant is observed at an extremely low frequency in the gnomAD v4.1.0 dataset (total allele frequency: 0.003%). Predicted Consequence/Location: Intron variant In silico tools predict the variant to alter splicing and produce an abnormal transcript [SpliceAI: 0.50 (>=0.2, moderate evidence for spliceogenicity)]. Therefore, this variant is classified as VUS according to the recommendation of ACMG/AMP guideline.